The following is an entry in ClinVar:

ClinVar aggregate classification (germline): Benign/Likely benign. Review status: criteria provided, multiple submitters, no conflicts (2 of 4 stars). 3 submissions from 3 submitters: Benign (1); Likely benign (1). 1 of the submissions does not count toward it. Last evaluated 2026-01-01.

Conditions:
HSPG2-related disorder. Also called: HSPG2-related disorders; HSPG2-related condition.

Allele frequency attached by ClinVar (database versions not stated): ESP Exome Variant Server 0.00008; gnomAD exomes 0.00016 and 0.00048; ExAC 0.00045; 1000 Genomes Project 30x 0.00094; 1000 Genomes Project 0.00100.
gnomAD v4.1: 274 of 1,613,842 alleles (0.017%); highest among the groups gnomAD compares: East Asian, 0.37%; no homozygotes.

Submissions (3):

CeGaT Center for Human Genetics Tuebingen
Classification: Likely benign. Last evaluated: 2026-01-01. Review status: criteria provided, single submitter. Criteria: CeGaT Center For Human Genetics Tuebingen Variant Classification Criteria Version 2. Collection method: clinical testing. Allele origin: germline. Affected: yes. Observed: 2 variant alleles.
Comment: HSPG2: BP4, BP7

Labcorp Genetics (formerly Invitae), Labcorp
Classification: Benign. Last evaluated: 2025-03-24. Review status: criteria provided, single submitter. Criteria: Invitae Variant Classification Sherloc (09022015). Collection method: clinical testing. Allele origin: germline.

PreventionGenetics, part of Exact Sciences
Classification: Likely benign for HSPG2-related condition. Last evaluated: 2020-09-02. Review status: no assertion criteria provided. Collection method: clinical testing. Allele origin: germline. Not counted in ClinVar's aggregate classification.
Comment: This variant is classified as likely benign based on ACMG/AMP sequence variant interpretation guidelines (Richards et al. 2015 PMID: 25741868, with internal and published modifications).

NM_005529.7(HSPG2):c.12354G>A (p.Thr4118=)

Gene: HSPG2 (heparan sulfate proteoglycan 2; minus strand). Cytogenetic location: 1p36.12.
Variant type: single nucleotide variant.
Coding change: c.12354G>A on transcript NM_005529.7 (MANE Select); coding-DNA position 12354, G replaced by A.
Protein change: p.Thr4118=; no amino-acid change (threonine 4118 retained).
Molecular consequence: synonymous variant.
Genome position (GRCh38, 1-based): chr1:21,828,310, C>T on the plus strand (G>A on the coding strand, the complement: HSPG2 is on the minus strand). VCF-style: chr1-21828310-C-T. GRCh37 (hg19) VCF-style: chr1-22154803-C-T.
Other names: c.12357G>A, p.Thr4119= (NM_001291860.2); c.12354G>A (NM_005529.6).
Identifiers: ClinVar variation 1673635 (VCV001673635.33), dbSNP rs371885206, ClinGen allele CA669458.